The following is an entry in ClinVar:

ClinVar aggregate classification (germline): Uncertain significance. Review status: criteria provided, multiple submitters, no conflicts (2 of 4 stars). 6 submissions from 6 submitters: Uncertain significance (6). Last evaluated 2026-06-01.

Conditions:
Meckel-Gruber syndrome. Also called: DYSENCEPHALIA SPLANCHNOCYSTICA; GRUBER SYNDROME; Dysencephalia splachnocystica. Identifiers: Orphanet 564, MedGen C0265215, MONDO:0018921.
Nephronophthisis. Also called: Juvenile Nephronophthisis. Identifiers: Orphanet 655, MedGen C0687120, MONDO:0019005, HP:0000090.
Joubert syndrome. Also called: Familial aplasia of the vermis; JOUBERT-BOLTSHAUSER SYNDROME. Identifiers: Orphanet 475, MedGen C5979921, MONDO:0018772.
CEP290-related disorder. Also called: CEP290-related disorders; CEP290-related condition. Identifiers: MedGen CN239314.
Inborn genetic diseases. Identifiers: MedGen C0950123, MeSH D030342.
Meckel syndrome, type 4 (MKS4). Also called: MECKEL-GRUBER SYNDROME, TYPE 4. Identifiers: Orphanet 564, MedGen C1970161, MONDO:0012626, OMIM 611134.
Joubert syndrome 5 (JBTS5). Identifiers: Orphanet 2318, MedGen C1857780, MONDO:0012432, OMIM 610188.
Leber congenital amaurosis 10 (LCA10). Identifiers: Orphanet 65, MedGen C1857821, MONDO:0012723, OMIM 611755.
Senior-Loken syndrome 6 (SLSN6). Identifiers: Orphanet 3156, MedGen C1857779, MONDO:0012433, OMIM 610189.
Bardet-Biedl syndrome 14 (BBS14). Identifiers: Orphanet 110, MedGen C2673874, MONDO:0014442, OMIM 615991.

Allele frequency attached by ClinVar (database versions not stated): ExAC 0.00001; TOPMed 0.00005; gnomAD 0.00007.
gnomAD v4.1: 17 of 1,613,900 alleles (0.0011%); highest among the groups gnomAD compares: African/African-American, 0.017%; no homozygotes.

Submissions (6):

CeGaT Center for Human Genetics Tuebingen
Classification: Uncertain significance. Last evaluated: 2026-06-01. Review status: criteria provided, single submitter. Criteria: CeGaT Center For Human Genetics Tuebingen Variant Classification Criteria Version 2. Collection method: clinical testing. Allele origin: germline. Affected: yes. Observed: 1 variant allele.
Comment: CEP290: PM2

PreventionGenetics, part of Exact Sciences
Classification: Uncertain significance for CEP290-related condition. Last evaluated: 2026-05-26. Review status: criteria provided, single submitter. Criteria: ACMG Guidelines, 2015. Collection method: clinical testing. Allele origin: germline.
Comment: The CEP290 c.3785A>T variant is predicted to result in the amino acid substitution p.His1262Leu. To our knowledge, this variant has not been reported in the literature. This variant is reported in 0.012% of alleles in individuals of African descent in gnomAD. At this time, the clinical significance of this variant is uncertain due to the absence of conclusive functional and genetic evidence.

Fulgent Genetics
Classification: Uncertain significance for Joubert syndrome 5; Senior-Loken syndrome 6; Meckel syndrome, type 4; Leber congenital amaurosis 10; Bardet-Biedl syndrome 14. Last evaluated: 2024-04-10. Review status: criteria provided, single submitter. Criteria: ACMG Guidelines, 2015. Collection method: clinical testing. Allele origin: germline.

Ambry Genetics
Classification: Uncertain significance for Inborn genetic diseases. Last evaluated: 2024-02-02. Review status: criteria provided, single submitter. Criteria: Ambry Variant Classification Scheme 2023. Collection method: clinical testing. Allele origin: germline.

Labcorp Genetics (formerly Invitae), Labcorp
Classification: Uncertain significance for Joubert syndrome; Meckel-Gruber syndrome; Nephronophthisis. Last evaluated: 2022-08-09. Review status: criteria provided, single submitter. Criteria: Invitae Variant Classification Sherloc (09022015). Collection method: clinical testing. Allele origin: germline.
Comment: This sequence change replaces histidine, which is basic and polar, with leucine, which is neutral and non-polar, at codon 1262 of the CEP290 protein (p.His1262Leu). This variant is present in population databases (rs752253318, gnomAD 0.01%). This variant has not been reported in the literature in individuals affected with CEP290-related conditions. Algorithms developed to predict the effect of missense changes on protein structure and function are either unavailable or do not agree on the potential impact of this missense change (SIFT: "Tolerated"; PolyPhen-2: "Probably Damaging"; Align-GVGD: "Class C0"). In summary, the available evidence is currently insufficient to determine the role of this variant in disease. Therefore, it has been classified as a Variant of Uncertain Significance.

Blueprint Genetics
Classification: Uncertain significance. Last evaluated: 2022-03-07. Review status: criteria provided, single submitter. Criteria: ACMG Guidelines, 2015. Collection method: clinical testing. Allele origin: germline.

NM_025114.4(CEP290):c.3785A>T (p.His1262Leu)

Gene: CEP290 (centrosomal protein 290; minus strand). Cytogenetic location: 12q21.32.
Variant type: single nucleotide variant.
Coding change: c.3785A>T on transcript NM_025114.4 (MANE Select); coding-DNA position 3785, A replaced by T.
Protein change: p.His1262Leu; replaces histidine 1262 with leucine.
Molecular consequence: missense variant.
Genome position (GRCh38, 1-based): chr12:88,089,276, T>A on the plus strand (A>T on the coding strand, the complement: CEP290 is on the minus strand). VCF-style: chr12-88089276-T-A. GRCh37 (hg19) VCF-style: chr12-88483053-T-A.
Other names: short protein forms H1262L.
Identifiers: ClinVar variation 1955774 (VCV001955774.10), dbSNP rs752253318, ClinGen allele CA6712086.